The following is an entry in ClinVar:

NM_014748.4(SNX17):c.318A>G (p.Gln106=)

Gene: SNX17 (sorting nexin 17; plus strand). Cytogenetic location: 2p23.3.
Variant type: single nucleotide variant.
Coding change: c.318A>G on transcript NM_014748.4 (MANE Select); coding-DNA position 318, A replaced by G.
Protein change: p.Gln106=; no amino-acid change (glutamine 106 retained).
Molecular consequence: synonymous variant. On other transcripts: non-coding transcript variant (7).
Genome position (GRCh38, 1-based): chr2:27,373,308, A>G. VCF-style: chr2-27373308-A-G. GRCh37 (hg19) VCF-style: chr2-27596175-A-G.
Other names: c.282A>G, p.Gln94= (NM_001267059.2); c.243A>G, p.Gln81= (NM_001267060.2); c.258A>G, p.Gln86= (NM_001267061.2).
Identifiers: ClinVar variation 3030746 (VCV003030746.2), dbSNP rs752167141, ClinGen allele CA1577226.

ClinVar aggregate classification (germline): Likely benign (0 of 4 stars; one submission).

Conditions:
SNX17-related disorder. Also called: SNX17-related condition.

Allele frequency attached by ClinVar (database versions not stated): ExAC 0.00001; gnomAD 0.00001; TOPMed 0.00001.
gnomAD v4.1: 6 of 1,614,080 alleles (0.00037%); highest among the groups gnomAD compares: Non-Finnish European, 0.00051%; no homozygotes.

Submission:

PreventionGenetics, part of Exact Sciences
Classification: Likely benign for SNX17-related condition. Last evaluated: 2021-03-02. Review status: no assertion criteria provided. Collection method: clinical testing. Allele origin: germline.
Comment: This variant is classified as likely benign based on ACMG/AMP sequence variant interpretation guidelines (Richards et al. 2015 PMID: 25741868, with internal and published modifications).